The following is an entry in ClinVar:

NM_002528.7(NTHL1):c.712_713delinsTT (p.Ala238Phe)

Gene: NTHL1 (nth like DNA glycosylase 1; minus strand). Cytogenetic location: 16p13.3.
Variant type: Indel.
Coding change: c.712_713delinsTT on transcript NM_002528.7 (MANE Select); coding-DNA positions 712 to 713, GC replaced by TT.
Protein change: p.Ala238Phe; replaces alanine 238 with phenylalanine.
Molecular consequence: missense variant.
Genome position (GRCh38, 1-based): chr16:2,040,211-2,040,212, GC replaced by AA on the plus strand (GC replaced by TT on the coding strand, the reverse complement: NTHL1 is on the minus strand). VCF-style: chr16-2040211-GC-AA. GRCh37 (hg19) VCF-style: chr16-2090212-GC-AA.
Other names: c.541_542delinsTT, p.Ala181Phe (NM_001318193.2); c.382_383delinsTT, p.Ala128Phe (NM_001318194.2); c.736_737delGCinsTT (NM_002528.5); short protein forms A128F, A181F, A238F.
Identifiers: ClinVar variation 1495128 (VCV001495128.8), dbSNP rs2150938405, ClinGen allele CA2573151778.
Genomic context (GRCh38, chr16:2,040,211, plus strand): 5'-AGGGCGGCGCGGGTCTCCTCTGGGGACTTGGTTGCCTTCTTGGTCCACCTCAGCCTGTTG[GC>AA]GATTCTGTGCACATGCGTGTCCACTGCTGCTGGGAGGCCAAGCGGGGTGAACAGGGGCAC-3'
Protein context (NP_002519.2, residues 228-248): IAVDTHVHRI[Ala238Phe]NRLRWTKKAT

ClinVar aggregate classification (germline): Uncertain significance. Review status: criteria provided, multiple submitters, no conflicts (2 of 4 stars). 2 submissions from 2 submitters: Uncertain significance (2). Last evaluated 2023-01-11.

Conditions:
Hereditary cancer-predisposing syndrome. Also called: Tumor predisposition; Hereditary neoplastic syndrome; Neoplastic Syndromes, Hereditary; Hereditary Cancer Syndrome. Identifiers: Orphanet 140162, MedGen C0027672, MeSH D009386, MONDO:0015356.

Submissions (2):

Ambry Genetics
Classification: Uncertain significance for Hereditary cancer-predisposing syndrome. Last evaluated: 2023-01-11. Review status: criteria provided, single submitter. Criteria: Ambry Variant Classification Scheme 2023. Collection method: clinical testing. Allele origin: germline.
Comment: The c.736_737delGCinsTT variant, located in coding exon 5 of the NTHL1 gene, results from an in-frame deletion of GC and insertion of TT at nucleotide positions 736 to 737. This results in the substitution of the alanine residue for a phenylalanine residue at codon 246, an amino acid with dissimilar properties. This amino acid position is not well conserved in available vertebrate species. In addition, the in silico prediction for this alteration is inconclusive (Choi Y et al. PLoS ONE. 2012; 7(10):e46688). Since supporting evidence is limited at this time, the clinical significance of this alteration remains unclear.

Labcorp Genetics (formerly Invitae), Labcorp
Classification: Uncertain significance. Last evaluated: 2020-12-19. Review status: criteria provided, single submitter. Criteria: Invitae Variant Classification Sherloc (09022015). Collection method: clinical testing. Allele origin: germline.
Comment: This sequence change replaces alanine with phenylalanine at codon 246 of the NTHL1 protein (p.Ala246Phe). The alanine residue is weakly conserved and there is a moderate physicochemical difference between alanine and phenylalanine. The frequency data for this variant in the population databases is not available, as this variant may be reported as separate entries in the ExAC database. This variant has not been reported in the literature in individuals with NTHL1-related conditions. Algorithms developed to predict the effect of missense changes on protein structure and function are either unavailable or do not agree on the potential impact of this missense change (SIFT: "Not Available"; PolyPhen-2: "Benign"; Align-GVGD: "Not Available"). In summary, the available evidence is currently insufficient to determine the role of this variant in disease. Therefore, it has been classified as a Variant of Uncertain Significance.